The following is an entry in ClinVar:

ClinVar aggregate classification (germline): Conflicting classifications of pathogenicity. Review status: criteria provided, conflicting classifications (1 of 4 stars). 2 submissions from 2 submitters: Likely pathogenic (1); Uncertain significance (1). Last evaluated 2025-07-15.

Submissions (2):

Women's Health and Genetics/Laboratory Corporation of America, LabCorp
Classification: Uncertain significance. Last evaluated: 2025-07-15. Review status: criteria provided, single submitter. Criteria: LabCorp Variant Classification Summary - May 2015. Collection method: clinical testing. Allele origin: germline.
Comment: Variant summary: HJV c.238T>G (p.Cys80Gly) results in a non-conservative amino acid change in the encoded protein sequence. Algorithms developed to predict the effect of missense changes on protein structure and function are either unavailable or do not agree on the potential impact of this missense change. The variant was absent in 276330 control chromosomes. The available data on variant occurrences in the general population are insufficient to allow any conclusion about variant significance. To our knowledge, no occurrence of c.238T>G in individuals affected with Hemochromatosis Type 2A and no experimental evidence demonstrating its impact on protein function have been reported. ClinVar contains an entry for this variant (Variation ID: 216012). Based on the evidence outlined above, the variant was classified as uncertain significance.

Labcorp Genetics (formerly Invitae), Labcorp
Classification: Likely pathogenic. Last evaluated: 2015-01-22. Review status: criteria provided, single submitter. Criteria: Invitae Variant Classification Sherloc (09022015). Collection method: clinical testing. Allele origin: germline.
Comment: The effect of this variant on protein function is uncertain, but other amino acid substitutions affecting this residue have been reported to be pathogenic. For these reasons, this variant has been classified as Likely Pathogenic. While this Cys80Gly variant has not been reported in the literature, other missense changes at this codon (Cys80Arg, Cys80Tyr) have been reported in patients affected with hemochromatosis (PMID: 14982867, 19342478). The Cys80Arg change has also been shown to disrupt HFE2 function in vitro (PMID: 18827264). This indicates that the Cys80 amino acid residue may be critical for proper protein function. Algorithms developed to predict the effect of missense changes on protein structure and function do not agree on the potential impact of this missense change (SIFT: "Deleterious"; PolyPhen-2: "Probably Damaging"; Align-GVGD: "Class C0"). This variant has not been published in the literature and is not present in population databases. This sequence change replaces cysteine with glycine at codon 80 of the HFE2 protein (p.Cys80Gly). The cysteine residue is highly conserved and there is a large physicochemical difference between cysteine and glycine.

Literature cited by the submitters: PubMed 14982867 (cited by Labcorp Genetics (formerly Invitae), Labcorp); PubMed 19342478 (cited by Labcorp Genetics (formerly Invitae), Labcorp); PubMed 18827264 (cited by Labcorp Genetics (formerly Invitae), Labcorp).

NM_213653.4(HJV):c.238T>G (p.Cys80Gly)

Gene: HJV (hemojuvelin BMP co-receptor; minus strand). Cytogenetic location: 1q21.1.
Variant type: single nucleotide variant.
Coding change: c.238T>G on transcript NM_213653.4 (MANE Select); coding-DNA position 238, T replaced by G.
Protein change: p.Cys80Gly; replaces cysteine 80 with glycine.
Molecular consequence: missense variant. On other transcripts: 5 prime UTR variant (1), intron variant (3).
Genome position (GRCh38, 1-based): chr1:146,019,594, A>C on the plus strand (T>G on the coding strand, the complement: HJV is on the minus strand). VCF-style: chr1-146019594-A-C. GRCh37 (hg19) VCF-style: chr1-145415419-T-G.
Other names: c.238T>G, p.Cys80Gly (NM_001379352.1); c.-102T>G (NM_145277.5); c.-21-894T>G (NM_213652.4); c.-22+104T>G (NM_202004.4, NM_001316767.2); short protein forms C80G.
Identifiers: ClinVar variation 216012 (VCV000216012.11), dbSNP rs28940586, ClinGen allele CA338317.